The following is an entry in ClinVar:

NM_004369.4(COL6A3):c.7174+1del

Gene: COL6A3 (collagen type VI alpha 3 chain; minus strand). Cytogenetic location: 2q37.3.
Variant type: Deletion.
Coding change: c.7174+1del on transcript NM_004369.4 (MANE Select); the canonical splice donor site of the intron after coding-DNA position 7174, one base deleted (G; older notation c.7174+1delG).
Molecular consequence: splice donor variant.
Genome position (GRCh38, 1-based): chr2:237,344,940, C deleted on the plus strand (G on the coding strand, the reverse complement: COL6A3 is on the minus strand); the first of 2 consecutive C bases (chr2:237,344,940-237,344,941); deleting either gives the same sequence. VCF-style (leftmost placement, unchanged base first): chr2-237344939-AC-A. GRCh37 (hg19) VCF-style: chr2-238253582-AC-A.
Other names: c.5353+1del (NM_057166.5); c.6556+1del (NM_057167.4).
Identifiers: ClinVar variation 1428861 (VCV001428861.6), dbSNP rs2106325341, ClinGen allele CA2573135587.

ClinVar aggregate classification (germline): Pathogenic (1 of 4 stars; one submission).

Conditions:
Bethlem myopathy 1A. Also called: MYOPATHY, BENIGN CONGENITAL, WITH CONTRACTURES; Bethlem Muscular Dystrophy; Bethlem myopathy 1. Identifiers: Orphanet 610, MedGen CN029274, MONDO:0024530, OMIM 158810.

Submission:

Labcorp Genetics (formerly Invitae), Labcorp
Classification: Pathogenic for Bethlem myopathy 1A. Last evaluated: 2021-08-03. Review status: criteria provided, single submitter. Criteria: Invitae Variant Classification Sherloc (09022015). Collection method: clinical testing. Allele origin: germline.
Comment: This sequence change creates a premature translational stop signal (p.Leu2394Trpfs*10) in the COL6A3 gene. It is expected to result in an absent or disrupted protein product. Loss-of-function variants in COL6A3 are known to be pathogenic (PMID: 26004199). This variant is not present in population databases (ExAC no frequency). This variant has not been reported in the literature in individuals affected with COL6A3-related conditions. This variant is also known as c.7174+1del. Algorithms developed to predict the effect of sequence changes on RNA splicing suggest that this variant may disrupt the consensus splice site. For these reasons, this variant has been classified as Pathogenic.

Literature cited by the submitters: PubMed 26004199.